The following is an entry in ClinVar:

ClinVar aggregate classification (germline): Benign (1 of 4 stars; one submission).

Allele frequency attached by ClinVar (database versions not stated): gnomAD 0.07550 and 0.08124; 1000 Genomes Project 0.08207; TOPMed 0.08627; 1000 Genomes Project 30x 0.08682.
gnomAD v4.1: 11,364 of 151,954 alleles (7.5%); highest among the groups gnomAD compares: African/African-American, 26%; 1,394 homozygotes.

Submission:

GeneDx
Classification: Benign. Last evaluated: 2018-06-16. Review status: criteria provided, single submitter. Criteria: GeneDx Variant Classification (06012015). Collection method: clinical testing. Allele origin: germline. Affected: yes.
Comment: This variant is considered likely benign or benign based on one or more of the following criteria: it is a conservative change, it occurs at a poorly conserved position in the protein, it is predicted to be benign by multiple in silico algorithms, and/or has population frequency not consistent with disease.

NM_139276.3(STAT3):c.798-251T>A

Gene: STAT3 (signal transducer and activator of transcription 3; minus strand). Cytogenetic location: 17q21.2.
Variant type: single nucleotide variant.
Coding change: c.798-251T>A on transcript NM_139276.3 (MANE Select); 251 bases into the intron before coding-DNA position 798, T replaced by A.
Molecular consequence: intron variant.
Genome position (GRCh38, 1-based): chr17:42,334,300, A>T on the plus strand (T>A on the coding strand, the complement: STAT3 is on the minus strand). VCF-style: chr17-42334300-A-T. GRCh37 (hg19) VCF-style: chr17-40486318-A-T.
Other names: c.702-251T>A (NM_001384989.1); c.798-251T>A (NM_001384992.1, NM_001384984.1, NM_001369519.1 and 15 more transcripts); c.720-251T>A (NM_001384985.1).
Identifiers: ClinVar variation 669672 (VCV000669672.1), dbSNP rs17878696, ClinGen allele CA290739483.